The following is an entry in ClinVar:

NM_130839.5(UBE3A):c.933C>T (p.Ser311=)

Genes: SNHG14 (small nucleolar RNA host gene 14; plus strand), UBE3A (ubiquitin protein ligase E3A; minus strand). Cytogenetic location: 15q11.2.
Variant type: single nucleotide variant.
Coding change: c.933C>T on transcript NM_130839.5 (MANE Select); coding-DNA position 933, C replaced by T.
Protein change: p.Ser311=; no amino-acid change (serine 311 retained).
Molecular consequence: synonymous variant. On other transcripts: non-coding transcript variant (1), intron variant (2).
Genome position (GRCh38, 1-based): chr15:25,371,241, G>A on the plus strand (C>T on the coding strand, the complement: UBE3A is on the minus strand). VCF-style: chr15-25371241-G-A. GRCh37 (hg19) VCF-style: chr15-25616388-G-A.
Other names: c.942C>T, p.Ser314= (NM_000462.5); c.933C>T, p.Ser311= (NM_001354505.1, NM_001354538.2, NM_001354545.2); c.873C>T, p.Ser291= (NM_001354506.2, NM_001354507.2, NM_001354508.2 and 17 more transcripts); c.756C>T, p.Ser252= (NM_001354546.2); c.301+4224C>T (NM_001354551.2); c.361+4224C>T (NM_001354550.2).
Identifiers: ClinVar variation 3250552 (VCV003250552.18), dbSNP rs2552191678.

ClinVar aggregate classification (germline): Likely benign (1 of 4 stars; one submission).

Submission:

CeGaT Center for Human Genetics Tuebingen
Classification: Likely benign. Last evaluated: 2024-06-01. Review status: criteria provided, single submitter. Criteria: CeGaT Center For Human Genetics Tuebingen Variant Classification Criteria Version 2. Collection method: clinical testing. Allele origin: germline. Affected: yes. Observed: 1 variant allele.
Comment: UBE3A: PM2:Supporting, BP4, BP7